The following is an entry in ClinVar:

ClinVar aggregate classification (germline): Uncertain significance (1 of 4 stars; one submission).

Conditions:
Inborn genetic diseases. Identifiers: MedGen C0950123, MeSH D030342.

Submission:

Ambry Genetics
Classification: Uncertain significance for Inborn genetic diseases. Last evaluated: 2025-08-09. Review status: criteria provided, single submitter. Criteria: Ambry Variant Classification Scheme 2023. Collection method: clinical testing. Allele origin: germline.
Comment: The p.P93Q variant (also known as c.278C>A), located in coding exon 2 of the ANKRD26 gene, results from a C to A substitution at nucleotide position 278. The proline at codon 93 is replaced by glutamine, an amino acid with similar properties. This amino acid position is conserved. In addition, this alteration is predicted to be tolerated by in silico analysis. Based on the available evidence, the clinical significance of this variant remains unclear.

NM_014915.3(ANKRD26):c.278C>A (p.Pro93Gln)

Gene: ANKRD26 (ankyrin repeat domain containing 26; minus strand). Cytogenetic location: 10p12.1.
Variant type: single nucleotide variant.
Coding change: c.278C>A on transcript NM_014915.3 (MANE Select); coding-DNA position 278, C replaced by A.
Protein change: p.Pro93Gln; replaces proline 93 with glutamine.
Molecular consequence: missense variant.
Genome position (GRCh38, 1-based): chr10:27,093,764, G>T on the plus strand (C>A on the coding strand, the complement: ANKRD26 is on the minus strand). VCF-style: chr10-27093764-G-T. GRCh37 (hg19) VCF-style: chr10-27382693-G-T.
Other names: c.278C>A, p.Pro93Gln (NM_001256053.2); short protein forms P93Q.
Identifiers: ClinVar variation 4104101 (VCV004104101.1).